The following is an entry in ClinVar:

NM_000213.5(ITGB4):c.4597C>T (p.Arg1533Cys)

Genes: GALK1 (galactokinase 1; minus strand), ITGB4 (integrin subunit beta 4; plus strand). Cytogenetic location: 17q25.1.
Variant type: single nucleotide variant.
Coding change: c.4597C>T on transcript NM_000213.5 (MANE Select); coding-DNA position 4597, C replaced by T.
Protein change: p.Arg1533Cys; replaces arginine 1533 with cysteine.
Molecular consequence: missense variant. On other transcripts: intron variant (2).
Genome position (GRCh38, 1-based): chr17:75,755,739, C>T. VCF-style: chr17-75755739-C-T. GRCh37 (hg19) VCF-style: chr17-73751820-C-T.
Other names: c.4387C>T, p.Arg1463Cys (NM_001005731.3, NM_001321123.2); c.4349-690C>T (NM_001438834.1); c.*22+2295G>A (NM_001381985.1); c.4546C>T, p.Arg1516Cys (NM_001005619.2); short protein forms R1463C, R1516C, R1533C.
Identifiers: ClinVar variation 2178749 (VCV002178749.3), dbSNP rs779870630, ClinGen allele CA8770250.

ClinVar aggregate classification (germline): Uncertain significance. Review status: criteria provided, multiple submitters, no conflicts (2 of 4 stars). 2 submissions from 2 submitters: Uncertain significance (2). Last evaluated 2025-06-12.

Conditions:
Inborn genetic diseases. Identifiers: MedGen C0950123, MeSH D030342.

Allele frequency attached by ClinVar (database versions not stated): gnomAD exomes 0.00001; TOPMed 0.00001; gnomAD 0.00001; ExAC 0.00003.
gnomAD v4.1: 22 of 1,612,806 alleles (0.0014%); highest among the groups gnomAD compares: Middle Eastern, 0.016%; 2 homozygotes.

Submissions (2):

Labcorp Genetics (formerly Invitae), Labcorp
Classification: Uncertain significance. Last evaluated: 2025-06-12. Review status: criteria provided, single submitter. Criteria: Invitae Variant Classification Sherloc (09022015). Collection method: clinical testing. Allele origin: germline.
Comment: This sequence change replaces arginine, which is basic and polar, with cysteine, which is neutral and slightly polar, at codon 1463 of the ITGB4 protein (p.Arg1463Cys). This variant is present in population databases (rs779870630, gnomAD 0.01%), including at least one homozygous and/or hemizygous individual. This variant has not been reported in the literature in individuals affected with ITGB4-related conditions. ClinVar contains an entry for this variant (Variation ID: 2178749). An algorithm developed to predict the effect of missense changes on protein structure and function (PolyPhen-2) suggests that this variant is likely to be disruptive. In summary, the available evidence is currently insufficient to determine the role of this variant in disease. Therefore, it has been classified as a Variant of Uncertain Significance.

Ambry Genetics
Classification: Uncertain significance for Inborn genetic diseases. Last evaluated: 2025-04-03. Review status: criteria provided, single submitter. Criteria: Ambry Variant Classification Scheme 2023. Collection method: clinical testing. Allele origin: germline.